The following is an entry in ClinVar:

NM_001083926.2(ASRGL1):c.97dup (p.Val33fs)

Gene: ASRGL1 (asparaginase and isoaspartyl peptidase 1; plus strand). Cytogenetic location: 11q12.3.
Variant type: Duplication.
Coding change: c.97dup on transcript NM_001083926.2 (MANE Select); coding-DNA position 97, one base duplicated (G; older notation c.97dupG).
Protein change: p.Val33fs; shifts the reading frame from valine 33.
Molecular consequence: frameshift variant.
Genome position (GRCh38, 1-based): chr11:62,338,074, G duplicated. VCF-style (leftmost placement, unchanged base first): chr11-62338073-C-CG. GRCh37 (hg19) VCF-style: chr11-62105545-C-CG.
Other names: c.97dup, p.Val33fs (NM_025080.4); short protein forms V33fs.
Identifiers: ClinVar variation 1475398 (VCV001475398.6), dbSNP rs2134556258, ClinGen allele CA2573147328.
Genomic context (GRCh38, chr11:62,338,073, plus strand): 5'-CGGTCCCATCTCCAAGGATCGGAAGGAGCGAGTGCACCAGGGCATGGTCAGAGCCGCCAC[C>CG]GTGGGCTACGGCATCCTCCGGGAGGGCGGGAGCGCCGTGGATGCCGTAGAGGGAGCTGTC-3'

ClinVar aggregate classification (germline): Uncertain significance (1 of 4 stars; one submission).

Submission:

Labcorp Genetics (formerly Invitae), Labcorp
Classification: Uncertain significance. Last evaluated: 2021-10-10. Review status: criteria provided, single submitter. Criteria: Invitae Variant Classification Sherloc (09022015). Collection method: clinical testing. Allele origin: germline.
Comment: Algorithms developed to predict the effect of sequence changes on RNA splicing suggest that this variant may create or strengthen a splice site. In summary, the available evidence is currently insufficient to determine the role of this variant in disease. Therefore, it has been classified as a Variant of Uncertain Significance. This variant has not been reported in the literature in individuals affected with ASRGL1-related conditions. This variant is not present in population databases (ExAC no frequency). This sequence change creates a premature translational stop signal (p.Val33Glyfs*42) in the ASRGL1 gene. It is expected to result in an absent or disrupted protein product. However, the current clinical and genetic evidence is not sufficient to establish whether loss-of-function variants in ASRGL1 cause disease.